The following is an entry in ClinVar:

ClinVar aggregate classification (germline): Likely benign (1 of 4 stars; one submission).

Conditions:
Familial cancer of breast. Also called: Hereditary breast cancer; BREAST CANCER, FAMILIAL; hereditary breast carcinoma. Identifiers: Orphanet 227535, MedGen C0346153, MONDO:0016419, OMIM 114480. Disease mechanism: loss of function.

gnomAD v4.1: 1 of 1,597,784 alleles (0.000063%); highest among the groups gnomAD compares: Non-Finnish European, 0.000085%; no homozygotes.

Submission:

Myriad Genetics, Inc.
Classification: Likely benign for Familial cancer of breast. Last evaluated: 2024-10-01. Review status: criteria provided, single submitter. Criteria: Myriad Autosomal Dominant, Autosomal Recessive and X-Linked Classification Criteria (2023). Collection method: clinical testing. Allele origin: unknown.
Comment: This variant is considered likely benign. This variant is intronic and is not expected to impact mRNA splicing.

NM_007194.4(CHEK2):c.-6-14A>G

Gene: CHEK2 (checkpoint kinase 2; minus strand). Cytogenetic location: 22q12.1.
Variant type: single nucleotide variant.
Coding change: c.-6-14A>G on transcript NM_007194.4 (MANE Select); 14 bases into the intron before 6 bases upstream of the start codon, A replaced by G.
Molecular consequence: intron variant.
Genome position (GRCh38, 1-based): chr22:28,734,741, T>C on the plus strand (A>G on the coding strand, the complement: CHEK2 is on the minus strand). VCF-style: chr22-28734741-T-C. GRCh37 (hg19) VCF-style: chr22-29130729-T-C.
Other names: c.-345+7028A>G (NM_001437942.1); c.-6-14A>G (NM_001349956.3, NM_145862.3, NM_001438295.1 and 3 more transcripts); c.-783-14A>G (NM_001257387.3).
Identifiers: ClinVar variation 3772802 (VCV003772802.1).